The following is an entry in ClinVar:

ClinVar aggregate classification (germline): Uncertain significance. Review status: criteria provided, multiple submitters, no conflicts (2 of 4 stars). 2 submissions from 2 submitters: Uncertain significance (2). Last evaluated 2026-09-11.

Conditions:
Hereditary cancer-predisposing syndrome. Also called: Hereditary Cancer Syndrome; Neoplastic Syndromes, Hereditary; Hereditary neoplastic syndrome; Tumor predisposition. Identifiers: Orphanet 140162, MedGen C0027672, MeSH D009386, MONDO:0015356.
Gorlin syndrome. Also called: Nevoid Basal Cell Carcinoma Syndrome; Basal cell nevus syndrome. Identifiers: Orphanet 377, MedGen C0004779, MONDO:0007187.

Submissions (2):

Ambry Genetics
Classification: Uncertain significance for Hereditary cancer-predisposing syndrome. Last evaluated: 2026-09-11. Review status: criteria provided, single submitter. Criteria: Ambry Variant Classification Scheme 2023. Collection method: clinical testing. Allele origin: germline.
Comment: The p.T731I variant (also known as c.2192C>T), located in coding exon 14 of the PTCH1 gene, results from a C to T substitution at nucleotide position 2192. The threonine at codon 731 is replaced by isoleucine, an amino acid with similar properties. This amino acid position is highly conserved in available vertebrate species. In addition, this alteration is predicted to be deleterious by in silico analysis. Based on the available evidence, the clinical significance of this variant remains unclear.

Labcorp Genetics (formerly Invitae), Labcorp
Classification: Uncertain significance for Gorlin syndrome. Last evaluated: 2023-10-13. Review status: criteria provided, single submitter. Criteria: Invitae Variant Classification Sherloc (09022015). Collection method: clinical testing. Allele origin: germline.
Comment: This sequence change replaces threonine, which is neutral and polar, with isoleucine, which is neutral and non-polar, at codon 731 of the PTCH1 protein (p.Thr731Ile). This variant is not present in population databases (gnomAD no frequency). This variant has not been reported in the literature in individuals affected with PTCH1-related conditions. ClinVar contains an entry for this variant (Variation ID: 1366322). Advanced modeling of protein sequence and biophysical properties (such as structural, functional, and spatial information, amino acid conservation, physicochemical variation, residue mobility, and thermodynamic stability) performed at Invitae indicates that this missense variant is not expected to disrupt PTCH1 protein function. In summary, the available evidence is currently insufficient to determine the role of this variant in disease. Therefore, it has been classified as a Variant of Uncertain Significance.

NM_000264.5(PTCH1):c.2192C>T (p.Thr731Ile)

Genes: PTCH1 (patched 1; minus strand), LOC100507346 (uncharacterized LOC100507346; plus strand). Cytogenetic location: 9q22.32.
Variant type: single nucleotide variant.
Coding change: c.2192C>T on transcript NM_000264.5 (MANE Select); coding-DNA position 2192, C replaced by T.
Protein change: p.Thr731Ile; replaces threonine 731 with isoleucine.
Molecular consequence: missense variant. On other transcripts: non-coding transcript variant (2).
Genome position (GRCh38, 1-based): chr9:95,468,809, G>A on the plus strand (C>T on the coding strand, the complement: PTCH1 is on the minus strand). VCF-style: chr9-95468809-G-A. GRCh37 (hg19) VCF-style: chr9-98231091-G-A.
Other names: c.1994C>T, p.Thr665Ile (NM_001083602.3); c.2189C>T, p.Thr730Ile (NM_001083603.3); c.1739C>T, p.Thr580Ile (NM_001083604.3, NM_001083605.3, NM_001083606.3 and 1 more transcripts); c.2036C>T, p.Thr679Ile (NM_001354918.2); short protein forms T665I, T730I, T731I, T580I, T679I.
Identifiers: ClinVar variation 1366322 (VCV001366322.9), dbSNP rs2118029007, ClinGen allele CA374115376.